The following is an entry in ClinVar:

NM_000535.7(PMS2):c.1238_1239del (p.Lys413fs)

Gene: PMS2 (PMS1 homolog 2, mismatch repair system component; minus strand). Cytogenetic location: 7p22.1.
Variant type: Deletion.
Coding change: c.1238_1239del on transcript NM_000535.7 (MANE Select); coding-DNA positions 1238 to 1239, 2 bases deleted (AA; older notation c.1238_1239delAA).
Protein change: p.Lys413fs; shifts the reading frame from lysine 413.
Molecular consequence: frameshift variant. On other transcripts: non-coding transcript variant (1), intron variant (1).
Genome position (GRCh38, 1-based): chr7:5,987,526-5,987,527, TT deleted on the plus strand (AA on the coding strand, the reverse complement: PMS2 is on the minus strand); deleting any 2 consecutive bases within chr7:5,987,526-5,987,533 gives the same sequence; the c. name uses the placement nearest the transcript's 3' end. VCF-style (leftmost placement, unchanged base first): chr7-5987525-CTT-C. GRCh37 (hg19) VCF-style: chr7-6027156-CTT-C.
Other names: c.827_828delAA, p.Lys278Argfs (NM_001018040.1); c.833_834del, p.Lys278fs (NM_001322003.2, NM_001322004.2, NM_001322005.2 and 16 more transcripts); c.1082_1083del, p.Lys361fs (NM_001322006.2, NM_001406870.1); c.920_921del, p.Lys307fs (NM_001322007.2, NM_001322008.2, NM_001406876.1 and 2 more transcripts); c.677_678del, p.Lys226fs (NM_001322010.2, NM_001406906.1, NM_001406907.1); c.305_306del, p.Lys102fs (NM_001322011.2, NM_001322012.2); c.665_666del, p.Lys222fs (NM_001322013.2, NM_001406909.1); c.1238_1239del, p.Lys413fs (NM_001322014.2, NM_001406871.1, NM_001406872.1); and 14 more; short protein forms K102fs, K156fs, K222fs, K226fs, K242fs, K255fs, K258fs, K278fs.
Identifiers: ClinVar variation 2674217 (VCV002674217.1), dbSNP rs267608159, ClinGen allele CA2695198451.

ClinVar aggregate classification (germline): Pathogenic (1 of 4 stars; one submission).

Conditions:
Lynch syndrome 4 (LYNCH4). Also called: Hereditary non-polyposis colorectal cancer, type 4; Colorectal cancer, hereditary nonpolyposis, type 4. Identifiers: Orphanet 144, MedGen C1838333, MONDO:0013699, OMIM 614337. Disease mechanism: loss of function.

Submission:

Myriad Genetics, Inc.
Classification: Pathogenic for Lynch syndrome 4. Last evaluated: 2023-09-20. Review status: criteria provided, single submitter. Criteria: Myriad Autosomal Dominant, Autosomal Recessive and X-Linked Classification Criteria (2023). Collection method: clinical testing. Allele origin: unknown.
Comment: This variant is considered pathogenic. This variant creates a frameshift predicted to result in premature protein truncation.